The following is an entry in ClinVar:

ClinVar aggregate classification (germline): Uncertain significance (1 of 4 stars; one submission).

Conditions:
Familial adenomatous polyposis 1 (FAP1). Also called: POLYPOSIS, ADENOMATOUS INTESTINAL; FAMILIAL ADENOMATOUS POLYPOSIS 1, ATTENUATED. Identifiers: MedGen C2713442, MONDO:0021056, OMIM 175100. Disease mechanism: loss of function.

Submission:

Labcorp Genetics (formerly Invitae), Labcorp
Classification: Uncertain significance for Familial adenomatous polyposis 1. Last evaluated: 2023-12-08. Review status: criteria provided, single submitter. Criteria: Invitae Variant Classification Sherloc (09022015). Collection method: clinical testing. Allele origin: germline.
Comment: This sequence change replaces asparagine, which is neutral and polar, with histidine, which is basic and polar, at codon 1830 of the APC protein (p.Asn1830His). This variant is not present in population databases (gnomAD no frequency). This variant has not been reported in the literature in individuals affected with APC-related conditions. Advanced modeling of protein sequence and biophysical properties (such as structural, functional, and spatial information, amino acid conservation, physicochemical variation, residue mobility, and thermodynamic stability) performed at Invitae indicates that this missense variant is not expected to disrupt APC protein function with a negative predictive value of 95%. In summary, the available evidence is currently insufficient to determine the role of this variant in disease. Therefore, it has been classified as a Variant of Uncertain Significance.

NM_000038.6(APC):c.5488A>C (p.Asn1830His)

Gene: APC (APC regulator of Wnt signaling pathway; plus strand). Cytogenetic location: 5q22.2.
Variant type: single nucleotide variant.
Coding change: c.5488A>C on transcript NM_000038.6 (MANE Select); coding-DNA position 5488, A replaced by C.
Protein change: p.Asn1830His; replaces asparagine 1830 with histidine.
Molecular consequence: missense variant. On other transcripts: non-coding transcript variant (2).
Genome position (GRCh38, 1-based): chr5:112,841,082, A>C. VCF-style: chr5-112841082-A-C. GRCh37 (hg19) VCF-style: chr5-112176779-A-C.
Other names: c.5488A>C, p.Asn1830His (NM_001127510.3, NM_001354895.2, NM_001407450.1); c.5434A>C, p.Asn1812His (NM_001127511.3); c.5542A>C, p.Asn1848His (NM_001354896.2, NM_001407447.1, NM_001407448.1 and 1 more transcripts); c.5518A>C, p.Asn1840His (NM_001354897.2); c.5413A>C, p.Asn1805His (NM_001354898.2); c.5404A>C, p.Asn1802His (NM_001354899.2); c.5365A>C, p.Asn1789His (NM_001354900.2); c.5311A>C, p.Asn1771His (NM_001354901.2, NM_001407453.1); and 11 more; short protein forms N1446H, N1670H, N1729H, N1805H, N1823H, N1830H, N1547H, N1701H.
Identifiers: ClinVar variation 2701399 (VCV002701399.3), dbSNP rs2149941413, ClinGen allele CA16033336.